The following is an entry in ClinVar:

ClinVar aggregate classification (germline): Uncertain significance. Review status: criteria provided, multiple submitters, no conflicts (2 of 4 stars). 2 submissions from 2 submitters: Uncertain significance (2). Last evaluated 2022-05-10.

Conditions:
Developmental and epileptic encephalopathy, 12 (DEE12). Identifiers: MedGen C3150988, MONDO:0013389, OMIM 613722.

Allele frequency attached by ClinVar (database versions not stated): TOPMed below 0.00001; gnomAD 0.00001.
gnomAD v4.1: 1 of 1,612,942 alleles (0.000062%); highest among the groups gnomAD compares: East Asian, 0.0022%; no homozygotes.

Submissions (2):

Labcorp Genetics (formerly Invitae), Labcorp
Classification: Uncertain significance for Developmental and epileptic encephalopathy, 12. Last evaluated: 2022-05-10. Review status: criteria provided, single submitter. Criteria: Invitae Variant Classification Sherloc (09022015). Collection method: clinical testing. Allele origin: germline.
Comment: ClinVar contains an entry for this variant (Variation ID: 586323). Algorithms developed to predict the effect of missense changes on protein structure and function (SIFT, PolyPhen-2, Align-GVGD) all suggest that this variant is likely to be tolerated. In summary, the available evidence is currently insufficient to determine the role of this variant in disease. Therefore, it has been classified as a Variant of Uncertain Significance. This variant is not present in population databases (gnomAD no frequency). This variant has not been reported in the literature in individuals affected with PLCB1-related conditions. This sequence change replaces glutamic acid, which is acidic and polar, with aspartic acid, which is acidic and polar, at codon 269 of the PLCB1 protein (p.Glu269Asp).

Athena Diagnostics
Classification: Uncertain significance. Last evaluated: 2018-03-05. Review status: criteria provided, single submitter. Criteria: Athena Diagnostics Criteria. Collection method: clinical testing. Allele origin: germline.

NM_015192.4(PLCB1):c.807G>C (p.Glu269Asp)

Gene: PLCB1 (phospholipase C beta 1; plus strand). Cytogenetic location: 20p12.3.
Variant type: single nucleotide variant.
Coding change: c.807G>C on transcript NM_015192.4 (MANE Select); coding-DNA position 807, G replaced by C.
Protein change: p.Glu269Asp; replaces glutamic acid 269 with aspartic acid.
Molecular consequence: missense variant.
Genome position (GRCh38, 1-based): chr20:8,658,649, G>C. VCF-style: chr20-8658649-G-C. GRCh37 (hg19) VCF-style: chr20-8639296-G-C.
Other names: c.807G>C, p.Glu269Asp (NM_182734.3); short protein forms E269D.
Identifiers: ClinVar variation 586323 (VCV000586323.9), dbSNP rs1222914240, ClinGen allele CA408264286.